The following is an entry in ClinVar:

NM_001368909.2(PAX6):c.-268+3906del

Gene: PAX6 (paired box 6; minus strand). Cytogenetic location: 11p13.
Variant type: Deletion.
Coding change: c.-268+3906del on transcript NM_001368909.2; 3906 bases into the intron after 268 bases upstream of the start codon, one base deleted (G; older notation c.-268+3906delG).
Molecular consequence: intron variant.
Genome position (GRCh38, 1-based): chr11:31,806,922, C deleted on the plus strand (G on the coding strand, the reverse complement: PAX6 is on the minus strand); the first of 5 consecutive C bases (chr11:31,806,922-31,806,926); deleting any one gives the same sequence. VCF-style (leftmost placement, unchanged base first): chr11-31806921-TC-T. GRCh37 (hg19) VCF-style: chr11-31828469-TC-T.
Other names: c.13+3906del (NM_001368911.2).
Identifiers: ClinVar variation 3369967 (VCV003369967.1).

ClinVar aggregate classification (germline): Uncertain significance (1 of 4 stars; one submission).

Submission:

GeneDx
Classification: Uncertain significance. Last evaluated: 2023-12-19. Review status: criteria provided, single submitter. Criteria: GeneDx Variant Classification Process June 2021. Collection method: clinical testing. Allele origin: germline. Affected: yes.
Comment: In silico analysis supports that this variant does not alter splicing; No data available from control populations to assess the frequency of this variant; Has not been previously published as pathogenic or benign to our knowledge